The following is an entry in ClinVar:

NM_005148.4(UNC119):c.355C>T (p.Arg119Trp)

Gene: UNC119 (unc-119 lipid binding chaperone; minus strand). Cytogenetic location: 17q11.2.
Variant type: single nucleotide variant.
Coding change: c.355C>T on transcript NM_005148.4 (MANE Select); coding-DNA position 355, C replaced by T.
Protein change: p.Arg119Trp; replaces arginine 119 with tryptophan.
Molecular consequence: missense variant.
Genome position (GRCh38, 1-based): chr17:28,548,081, G>A on the plus strand (C>T on the coding strand, the complement: UNC119 is on the minus strand). VCF-style: chr17-28548081-G-A. GRCh37 (hg19) VCF-style: chr17-26875099-G-A.
Other names: c.70C>T, p.Arg24Trp (NM_001330166.2); c.355C>T, p.Arg119Trp (NM_054035.2); short protein forms R24W, R119W.
Identifiers: ClinVar variation 939746 (VCV000939746.9), dbSNP rs139497685, ClinGen allele CA8459824.
Genomic context (GRCh38, chr17:28,548,081, plus strand): 5'-GGAGGAAGGCAGGCGTGAACTGGTAGCGGACAAAGCGCCCAGCATTGGGGTCCAGGTCCC[G>A]CCGGTTGATGGGCAACCGTTCTGCAATGTACCCCAGCTGGGGCTCAGTGGGCTTCAGGCT-3'
Protein context (NP_005139.1, residues 109-129): PVSERLPINR[Arg119Trp]DLDPNAGRFV

ClinVar aggregate classification (germline): Uncertain significance. Review status: criteria provided, multiple submitters, no conflicts (2 of 4 stars). 2 submissions from 2 submitters: Uncertain significance (2). Last evaluated 2025-12-09.

Allele frequency attached by ClinVar (database versions not stated): gnomAD exomes 0.00002 and 0.00003; ExAC 0.00003; gnomAD 0.00007 and 0.00008; TOPMed 0.00012; 1000 Genomes Project 30x 0.00031; 1000 Genomes Project 0.00040.
gnomAD v4.1: 51 of 1,613,554 alleles (0.0032%); highest among the groups gnomAD compares: African/African-American, 0.021%; no homozygotes.

Submissions (2):

Labcorp Genetics (formerly Invitae), Labcorp
Classification: Uncertain significance. Last evaluated: 2025-12-09. Review status: criteria provided, single submitter. Criteria: Invitae Variant Classification Sherloc (09022015). Collection method: clinical testing. Allele origin: germline.
Comment: This sequence change replaces arginine, which is basic and polar, with tryptophan, which is neutral and slightly polar, at codon 119 of the UNC119 protein (p.Arg119Trp). This variant is present in population databases (rs139497685, gnomAD 0.01%). This variant has not been reported in the literature in individuals affected with UNC119-related conditions. ClinVar contains an entry for this variant (Variation ID: 939746). An algorithm developed to predict the effect of missense changes on protein structure and function (PolyPhen-2) suggests that this variant is likely to be tolerated. In summary, the available evidence is currently insufficient to determine the role of this variant in disease. Therefore, it has been classified as a Variant of Uncertain Significance.

Ambry Genetics
Classification: Uncertain significance. Last evaluated: 2025-08-08. Review status: criteria provided, single submitter. Criteria: Ambry Variant Classification Scheme 2023. Collection method: clinical testing. Allele origin: germline.